The following is an entry in ClinVar:

NM_006074.5(TRIM22):c.1056G>A (p.Ser352=)

Gene: TRIM22 (tripartite motif containing 22; plus strand). Cytogenetic location: 11p15.4.
Variant type: single nucleotide variant.
Coding change: c.1056G>A on transcript NM_006074.5 (MANE Select); coding-DNA position 1056, G replaced by A.
Protein change: p.Ser352=; no amino-acid change (serine 352 retained).
Molecular consequence: synonymous variant.
Genome position (GRCh38, 1-based): chr11:5,709,207, G>A. VCF-style: chr11-5709207-G-A. GRCh37 (hg19) VCF-style: chr11-5730437-G-A.
Other names: c.1044G>A, p.Ser348= (NM_001199573.2).
Identifiers: ClinVar variation 3035256 (VCV003035256.3), dbSNP rs140700337, ClinGen allele CA5846052.

ClinVar aggregate classification (germline): Likely benign. Review status: criteria provided, single submitter (1 of 4 stars). 2 submissions from 2 submitters: Likely benign (1). 1 of the submissions does not count toward it. Last evaluated 2024-11-06.

Conditions:
TRIM22-related disorder. Also called: TRIM22-related condition.

Allele frequency attached by ClinVar (database versions not stated): gnomAD exomes 0.00019; ExAC 0.00051; ESP Exome Variant Server 0.00144; gnomAD 0.00188; 1000 Genomes Project 30x 0.00312; 1000 Genomes Project 0.00379.
gnomAD v4.1: 585 of 1,614,020 alleles (0.036%); highest among the groups gnomAD compares: African/African-American, 0.63%; 5 homozygotes.

Submissions (2):

Blueprint Genetics
Classification: Likely benign. Last evaluated: 2024-11-06. Review status: criteria provided, single submitter. Criteria: ACMG Guidelines, 2015. Collection method: clinical testing. Allele origin: germline.

PreventionGenetics, part of Exact Sciences
Classification: Likely benign for TRIM22-related condition. Last evaluated: 2023-06-05. Review status: no assertion criteria provided. Collection method: clinical testing. Allele origin: germline. Not counted in ClinVar's aggregate classification.
Comment: This variant is classified as likely benign based on ACMG/AMP sequence variant interpretation guidelines (Richards et al. 2015 PMID: 25741868, with internal and published modifications).